The following is an entry in ClinVar:

ClinVar aggregate classification (germline): Uncertain significance (1 of 4 stars; one submission).

Conditions:
Developmental and epileptic encephalopathy, 12 (DEE12). Identifiers: MedGen C3150988, MONDO:0013389, OMIM 613722.

Allele frequency attached by ClinVar (database versions not stated): gnomAD exomes below 0.00001; ExAC 0.00001.

Submission:

Labcorp Genetics (formerly Invitae), Labcorp
Classification: Uncertain significance for Developmental and epileptic encephalopathy, 12. Last evaluated: 2022-11-28. Review status: criteria provided, single submitter. Criteria: Invitae Variant Classification Sherloc (09022015). Collection method: clinical testing. Allele origin: germline.
Comment: In summary, the available evidence is currently insufficient to determine the role of this variant in disease. Therefore, it has been classified as a Variant of Uncertain Significance. Advanced modeling of protein sequence and biophysical properties (such as structural, functional, and spatial information, amino acid conservation, physicochemical variation, residue mobility, and thermodynamic stability) performed at Invitae indicates that this missense variant is not expected to disrupt PNKP protein function. ClinVar contains an entry for this variant (Variation ID: 1006437). This variant has not been reported in the literature in individuals affected with PNKP-related conditions. This variant is present in population databases (rs776190168, gnomAD 0.004%). This sequence change replaces proline, which is neutral and non-polar, with leucine, which is neutral and non-polar, at codon 502 of the PNKP protein (p.Pro502Leu).

NM_007254.4(PNKP):c.1505C>T (p.Pro502Leu)

Gene: PNKP (polynucleotide kinase 3'-phosphatase; minus strand). Cytogenetic location: 19q13.33.
Variant type: single nucleotide variant.
Coding change: c.1505C>T on transcript NM_007254.4 (MANE Select); coding-DNA position 1505, C replaced by T.
Protein change: p.Pro502Leu; replaces proline 502 with leucine.
Molecular consequence: missense variant.
Genome position (GRCh38, 1-based): chr19:49,861,309, G>A on the plus strand (C>T on the coding strand, the complement: PNKP is on the minus strand). VCF-style: chr19-49861309-G-A. GRCh37 (hg19) VCF-style: chr19-50364566-G-A.
Other names: short protein forms P502L.
Identifiers: ClinVar variation 1006437 (VCV001006437.5), dbSNP rs776190168, ClinGen allele CA9586328.